The following is an entry in ClinVar:

NM_001457.4(FLNB):c.3264C>T (p.Ser1088=)

Gene: FLNB (filamin B; plus strand). Cytogenetic location: 3p14.3.
Variant type: single nucleotide variant.
Coding change: c.3264C>T on transcript NM_001457.4 (MANE Select); coding-DNA position 3264, C replaced by T.
Protein change: p.Ser1088=; no amino-acid change (serine 1088 retained).
Molecular consequence: synonymous variant.
Genome position (GRCh38, 1-based): chr3:58,123,230, C>T. VCF-style: chr3-58123230-C-T. GRCh37 (hg19) VCF-style: chr3-58108957-C-T.
Other names: c.3264C>T, p.Ser1088= (NM_001164317.2, NM_001164318.2, NM_001164319.2).
Identifiers: ClinVar variation 593766 (VCV000593766.46), dbSNP rs112864468, ClinGen allele CA2468372.
Genomic context (GRCh38, chr3:58,123,230, plus strand): 5'-TGGTACTGGAGGTCTGGGCTTAACGGTGGAAGGTCCGTGCGAGGCCAAAATCGAGTGCTC[C>T]GACAATGGTGATGGGACCTGCTCCGTCTCTTACCTTCCCACAAAACCCGGGGAGTACTTC-3'
Protein context (NP_001448.2, residues 1078-1098): EGPCEAKIEC[Ser1088=]DNGDGTCSVS

ClinVar aggregate classification (germline): Benign/Likely benign. Review status: criteria provided, multiple submitters, no conflicts (2 of 4 stars). 9 submissions from 9 submitters: Benign (5); Likely benign (4). Last evaluated 2026-01-21.

Conditions:
Connective tissue disorder. Also called: Connective tissue disease. Identifiers: MedGen C0009782, MONDO:0003900.
FLNB-Related Spectrum Disorders.

Allele frequency attached by ClinVar (database versions not stated): gnomAD exomes 0.00057 and 0.00117; ExAC 0.00133; 1000 Genomes Project 30x 0.00250; 1000 Genomes Project 0.00300; gnomAD 0.00301 and 0.00322; TOPMed 0.00323; ESP Exome Variant Server 0.00415.
gnomAD v4.1: 1,348 of 1,614,112 alleles (0.084%); highest among the groups gnomAD compares: African/African-American, 1%; 11 homozygotes.

Submissions (9):

Labcorp Genetics (formerly Invitae), Labcorp
Classification: Benign. Last evaluated: 2026-01-21. Review status: criteria provided, single submitter. Criteria: Invitae Variant Classification Sherloc (09022015). Collection method: clinical testing. Allele origin: germline.

ARUP Laboratories, Molecular Genetics and Genomics, ARUP Laboratories
Classification: Benign. Last evaluated: 2025-02-25. Review status: criteria provided, single submitter. Criteria: ARUP Molecular Germline Variant Investigation Process 2024. Collection method: clinical testing. Allele origin: germline.

CeGaT Center for Human Genetics Tuebingen
Classification: Likely benign. Last evaluated: 2025-01-01. Review status: criteria provided, single submitter. Criteria: CeGaT Center For Human Genetics Tuebingen Variant Classification Criteria Version 2. Collection method: clinical testing. Allele origin: germline. Affected: yes. Observed: 1 variant allele.
Comment: FLNB: BP4, BP7, BS1

Blueprint Genetics
Classification: Likely benign. Last evaluated: 2024-11-23. Review status: criteria provided, single submitter. Criteria: ACMG Guidelines, 2015. Collection method: clinical testing. Allele origin: germline.

Genome Diagnostics Laboratory, The Hospital for Sick Children
Classification: Benign for Connective tissue disorder. Last evaluated: 2019-05-01. Review status: criteria provided, single submitter. Criteria: ACMG Guidelines, 2015. Collection method: clinical testing. Allele origin: germline.

GeneDx
Classification: Benign. Last evaluated: 2019-01-24. Review status: criteria provided, single submitter. Criteria: GeneDx Variant Classification Process June 2021. Collection method: clinical testing. Allele origin: germline. Affected: yes.

Illumina Laboratory Services, Illumina
Classification: Likely benign for FLNB-Related Spectrum Disorders. Last evaluated: 2018-01-13. Review status: criteria provided, single submitter. Criteria: ICSL Variant Classification Criteria 13 December 2019. Collection method: clinical testing. Allele origin: germline.
Comment: This variant was observed in the ICSL laboratory as part of a predisposition screen in an ostensibly healthy population. It had not been previously curated by ICSL or reported in the Human Gene Mutation Database (HGMD: prior to June 1st, 2018), and was therefore a candidate for classification through an automated scoring system. Utilizing variant allele frequency, disease prevalence and penetrance estimates, and inheritance mode, an automated score was calculated to assess if this variant is too frequent to cause the disease. Based on the score and internal cut-off values, a variant classified as likely benign is not then subjected to further curation. The score for this variant resulted in a classification of likely benign for this disease.

Eurofins Ntd Llc (ga)
Classification: Benign. Last evaluated: 2017-08-24. Review status: criteria provided, single submitter. Criteria: EGL Classification Definitions 2015. Collection method: clinical testing. Allele origin: germline. Observed: 1 variant allele, 1 heterozygote.

Breakthrough Genomics
Classification: Likely benign. Review status: criteria provided, single submitter. Criteria: ACMG Guidelines, 2015. Collection method: not provided. Allele origin: germline. Inheritance: Autosomal recessive inheritance. Affected: yes.